The following is an entry in ClinVar:

NM_004260.4(RECQL4):c.2636C>T (p.Pro879Leu)

Gene: RECQL4 (RecQ like helicase 4; minus strand). Cytogenetic location: 8q24.3.
Variant type: single nucleotide variant.
Coding change: c.2636C>T on transcript NM_004260.4 (MANE Select); coding-DNA position 2636, C replaced by T.
Protein change: p.Pro879Leu; replaces proline 879 with leucine.
Molecular consequence: missense variant.
Genome position (GRCh38, 1-based): chr8:144,512,966, G>A on the plus strand (C>T on the coding strand, the complement: RECQL4 is on the minus strand). VCF-style: chr8-144512966-G-A. GRCh37 (hg19) VCF-style: chr8-145738349-G-A.
Other names: short protein forms P879L.
Identifiers: ClinVar variation 239743 (VCV000239743.10), dbSNP rs137975310, ClinGen allele CA10582560.

ClinVar aggregate classification (germline): Uncertain significance. Review status: criteria provided, multiple submitters, no conflicts (2 of 4 stars). 2 submissions from 2 submitters: Uncertain significance (2). Last evaluated 2025-06-17.

Conditions:
Baller-Gerold syndrome (BGS). Also called: CRANIOSYNOSTOSIS WITH RADIAL DEFECTS. Identifiers: Orphanet 1225, MedGen C0265308, MONDO:0009039, OMIM 218600.

gnomAD v4.1: 16 of 1,571,774 alleles (0.001%); highest among the groups gnomAD compares: East Asian, 0.0024%; no homozygotes.

Submissions (2):

Dasa
Classification: Uncertain significance. Last evaluated: 2025-06-17. Review status: criteria provided, single submitter. Criteria: DASA Assertion Criteria. Collection method: clinical testing. Allele origin: germline.
Comment: NM_004260.4(RECQL4):c.2636C>T (p.Pro879Leu) is a missense variant that results in the substitution of proline with leucine. This variant is rare in population databases. The currently available literature and clinical evidence are not sufficient to establish a definitive association between this variant and the reported condition. Therefore, this variant is classified as a variant of uncertain significance.

Labcorp Genetics (formerly Invitae), Labcorp
Classification: Uncertain significance for Baller-Gerold syndrome. Last evaluated: 2025-02-26. Review status: criteria provided, single submitter. Criteria: Invitae Variant Classification Sherloc (09022015). Collection method: clinical testing. Allele origin: germline.
Comment: This sequence change replaces proline, which is neutral and non-polar, with leucine, which is neutral and non-polar, at codon 879 of the RECQL4 protein (p.Pro879Leu). This variant is present in population databases (no rsID available, gnomAD 0.008%). This variant has not been reported in the literature in individuals affected with RECQL4-related conditions. ClinVar contains an entry for this variant (Variation ID: 239743). Experimental studies and prediction algorithms are not available or were not evaluated, and the functional significance of this variant is currently unknown. In summary, the available evidence is currently insufficient to determine the role of this variant in disease. Therefore, it has been classified as a Variant of Uncertain Significance.